The following is an entry in ClinVar:

NM_000492.4(CFTR):c.709C>T (p.Gln237Ter)

Gene: CFTR (CF transmembrane conductance regulator; plus strand). Cytogenetic location: 7q31.2.
Variant type: single nucleotide variant.
Coding change: c.709C>T on transcript NM_000492.4 (MANE Select); coding-DNA position 709, C replaced by T.
Protein change: p.Gln237Ter; replaces glutamine 237 with a stop codon.
Molecular consequence: nonsense.
Genome position (GRCh38, 1-based): chr7:117,535,377, C>T. VCF-style: chr7-117535377-C-T. GRCh37 (hg19) VCF-style: chr7-117175431-C-T.
Other names: short protein forms Q237*.
Identifiers: ClinVar variation 4535906 (VCV004535906.2).
Genomic context (GRCh38, chr7:117,535,377, plus strand): 5'-GAGTTGTTACAGGCGTCTGCCTTCTGTGGACTTGGTTTCCTGATAGTCCTTGCCCTTTTT[C>T]AGGCTGGGCTAGGGAGAATGATGATGAAGTACAGGTAGCAACCTATTTTCATAACTTGAA-3'

ClinVar aggregate classification (germline): Pathogenic/Likely pathogenic. Review status: criteria provided, multiple submitters, no conflicts (2 of 4 stars). 2 submissions from 2 submitters: Pathogenic (1); Likely pathogenic (1). Last evaluated 2025-09-02.

Conditions:
CFTR-related disorder (CFTR-RD). Also called: CFTR-related disorders; CFTR-related condition. Identifiers: MedGen C5924204, MONDO:7770004.
Cystic fibrosis (CF). Also called: MUCOVISCIDOSIS. Identifiers: Orphanet 586, MedGen C0010674, MONDO:0009061, OMIM 219700. Disease mechanism: loss of function.

Submissions (2):

Women's Health and Genetics/Laboratory Corporation of America, LabCorp
Classification: Pathogenic for Cystic fibrosis. Last evaluated: 2025-09-02. Review status: criteria provided, single submitter. Criteria: LabCorp Variant Classification Summary - May 2015. Collection method: clinical testing. Allele origin: germline.
Comment: Variant summary: CFTR c.709C>T (p.Gln237X) results in a premature termination codon, predicted to cause a truncation of the encoded protein or absence of the protein due to nonsense mediated decay, which are commonly known mechanisms for disease. The variant was absent in 251392 control chromosomes. To our knowledge, no occurrence of c.709C>T in individuals affected with CFTR-related conditions and no experimental evidence demonstrating its impact on protein function have been reported. No submitters have cited clinical-significance assessments for this variant to ClinVar. Based on the evidence outlined above, the variant was classified as pathogenic.

Natera, Inc.
Classification: Likely pathogenic for CFTR-related disorders. Last evaluated: 2025-07-07. Review status: criteria provided, single submitter. Criteria: Natera Variant Classification Schema (03/2026). Collection method: clinical testing. Allele origin: germline.
Comment: The c.709C>T variant in CFTR is a nonsense variant predicted to introduce a stop codon at amino acid 237. This variant is expected to result in nonsense mediated decay, truncation, or a dysfunctional protein product. This variant is rare in the general population with a frequency below the threshold expected for the associated phenotype(s). Given the available evidence, this variant is classified as Likely Pathogenic.